The following is an entry in ClinVar:

NM_005909.5(MAP1B):c.6694G>A (p.Gly2232Ser)

Gene: MAP1B (microtubule associated protein 1B; plus strand). Cytogenetic location: 5q13.2.
Variant type: single nucleotide variant.
Coding change: c.6694G>A on transcript NM_005909.5 (MANE Select); coding-DNA position 6694, G replaced by A.
Protein change: p.Gly2232Ser; replaces glycine 2232 with serine.
Molecular consequence: missense variant.
Genome position (GRCh38, 1-based): chr5:72,200,049, G>A. VCF-style: chr5-72200049-G-A. GRCh37 (hg19) VCF-style: chr5-71495876-G-A.
Other names: c.6316G>A, p.Gly2106Ser (NM_001324255.2); short protein forms G2106S, G2232S.
Identifiers: ClinVar variation 4076702 (VCV004076702.1).

ClinVar aggregate classification (germline): Uncertain significance (1 of 4 stars; one submission).

Submission:

GeneDx
Classification: Uncertain significance. Last evaluated: 2025-02-16. Review status: criteria provided, single submitter. Criteria: GeneDx Variant Classification Process June 2021. Collection method: clinical testing. Allele origin: germline. Affected: yes.
Comment: Not observed at significant frequency in large population cohorts (gnomAD); In silico analysis indicates that this missense variant does not alter protein structure/function; Has not been previously published as pathogenic or benign to our knowledge